The following is an entry in ClinVar:

NM_002314.4(LIMK1):c.732G>A (p.Gln244=)

Gene: LIMK1 (LIM domain kinase 1; plus strand). Cytogenetic location: 7q11.23.
Variant type: single nucleotide variant.
Coding change: c.732G>A on transcript NM_002314.4 (MANE Select); coding-DNA position 732, G replaced by A.
Protein change: p.Gln244=; no amino-acid change (glutamine 244 retained).
Molecular consequence: synonymous variant.
Genome position (GRCh38, 1-based): chr7:74,106,094, G>A. VCF-style: chr7-74106094-G-A. GRCh37 (hg19) VCF-style: chr7-73520424-G-A.
Other names: c.630G>A, p.Gln210= (NM_001204426.2).
Identifiers: ClinVar variation 3047192 (VCV003047192.3), dbSNP rs782715335, ClinGen allele CA4293710.
Genomic context (GRCh38, chr7:74,106,094, plus strand): 5'-CCCCTCCCCACTCCACCCCCATTCACATGCCTGCTGTCCCCAGATTGACCTGCTGATTCA[G>A]GAAACCAGCCGCCTGCTCCAGCTGACCCTCGAGCATGACCCTCACGATACACTGGGCCAC-3'
Protein context (NP_002305.1, residues 234-254): VPLDEIDLLI[Gln244=]ETSRLLQLTL

ClinVar aggregate classification (germline): Likely benign. Review status: criteria provided, single submitter (1 of 4 stars). 2 submissions from 2 submitters: Likely benign (1). 1 of the submissions does not count toward it. Last evaluated 2026-08-01.

Conditions:
LIMK1-related disorder. Also called: LIMK1-related condition.

Allele frequency attached by ClinVar (database versions not stated): gnomAD 0.00002; TOPMed 0.00005; ExAC 0.00008.
gnomAD v4.1: 24 of 1,613,970 alleles (0.0015%); highest among the groups gnomAD compares: Admixed American, 0.03%; no homozygotes.

Submissions (2):

CeGaT Center for Human Genetics Tuebingen
Classification: Likely benign. Last evaluated: 2026-08-01. Review status: criteria provided, single submitter. Criteria: CeGaT Center For Human Genetics Tuebingen Variant Classification Criteria Version 2. Collection method: clinical testing. Allele origin: germline. Affected: yes. Observed: 1 variant allele.
Comment: LIMK1: BP4, BP7

PreventionGenetics, part of Exact Sciences
Classification: Likely benign for LIMK1-related condition. Last evaluated: 2022-10-27. Review status: no assertion criteria provided. Collection method: clinical testing. Allele origin: germline. Not counted in ClinVar's aggregate classification.
Comment: This variant is classified as likely benign based on ACMG/AMP sequence variant interpretation guidelines (Richards et al. 2015 PMID: 25741868, with internal and published modifications).